The following continues an entry in ClinVar:

NM_000051.4(ATM):c.2284_2285del (p.Leu762fs)

Gene: ATM. ClinVar aggregate classification (germline): Pathogenic. Pathogenic (1).

Submissions 11 to 18 of 18:

Myriad Genetics, Inc.
Classification: Pathogenic for Familial cancer of breast. Last evaluated: 2024-01-17. Review status: criteria provided, single submitter. Criteria: Myriad Autosomal Dominant, Autosomal Recessive and X-Linked Classification Criteria (2023). Collection method: clinical testing. Allele origin: unknown. Not counted in ClinVar's aggregate classification.
Comment: This variant is considered pathogenic. This variant creates a frameshift predicted to result in premature protein truncation.

GeneDx
Classification: Pathogenic. Last evaluated: 2023-06-13. Review status: criteria provided, single submitter. Criteria: GeneDx Variant Classification Process June 2021. Collection method: clinical testing. Allele origin: germline. Affected: yes. Not counted in ClinVar's aggregate classification.
Comment: Frameshift variant predicted to result in protein truncation or nonsense mediated decay in a gene for which loss of function is a known mechanism of disease; Not observed at significant frequency in large population cohorts (gnomAD); Truncating variants in this gene are considered pathogenic by a well-established clinical consortium and/or database; This variant is associated with the following publications: (PMID: 8789452, 15928302, 26045716, 9259193, 27484032, 26786923, 8845835, 29922827, 9463314, 21792198, 20852892, 1551665, 14695997, 21459046, 28779002, 28152038, 27304073, 29566657, 28486781, 28657667, 32853339, 30549301, 35022142, 33804961, 33471991, 32984025, 24789685, 35261632, 34771661, 35741767, 34196900, 34887416, 26896183)

Women's Health and Genetics/Laboratory Corporation of America, LabCorp
Classification: Pathogenic for Ataxia-telangiectasia syndrome. Last evaluated: 2021-04-26. Review status: criteria provided, single submitter. Criteria: LabCorp Variant Classification Summary - May 2015. Collection method: clinical testing. Allele origin: germline. Not counted in ClinVar's aggregate classification.
Comment: Variant summary: ATM c.2284_2285delCT (p.Leu762ValfsX2) results in a premature termination codon, predicted to cause a truncation of the encoded protein or absence of the protein due to nonsense mediated decay, which are commonly known mechanisms for disease. Truncations downstream of this position have been classified as pathogenic by our laboratory. The variant allele was found at a frequency of 8e-06 in 251234 control chromosomes. c.2284_2285delCT has been widely reported in the literature in multiple individuals affected with Ataxia-Telangiectasia (example, Gilad_1996, Hacia_1998, Stankovic_1998, Jackson_2016). These data indicate that the variant is very likely to be associated with disease. Eight clinical diagnostic laboratories have submitted clinical-significance assessments for this variant to ClinVar after 2014 without evidence for independent evaluation. All laboratories classified the variant as pathogenic (n=7)/likely pathogenic (n=1). Based on the evidence outlined above, the variant was classified as pathogenic.

Blueprint Genetics
Classification: Pathogenic for ATM-related disorders. Last evaluated: 2019-04-01. Review status: criteria provided, single submitter. Criteria: ACMG Guidelines, 2015. Collection method: clinical testing. Allele origin: germline. Affected: yes. Observed: 1 variant allele. Not counted in ClinVar's aggregate classification.

Genetic Services Laboratory, University of Chicago
Classification: Pathogenic for Ataxia-telangiectasia. Last evaluated: 2016-12-30. Review status: criteria provided, single submitter. Criteria: ACMG Guidelines, 2015. Collection method: clinical testing. Allele origin: germline. Affected: yes. Not counted in ClinVar's aggregate classification.

GeneReviews
Classification: Pathogenic for Ataxia-telangiectasia syndrome. Last evaluated: 2016-10-27. Review status: no assertion criteria provided. Collection method: literature only. Allele origin: germline. Affected: yes. Not counted in ClinVar's aggregate classification.

Counsyl
Classification: Likely pathogenic for Ataxia-telangiectasia syndrome. Last evaluated: 2016-03-01. Review status: no assertion criteria provided. Collection method: clinical testing. Allele origin: unknown. Not counted in ClinVar's aggregate classification.

Department of Pathology and Laboratory Medicine, Sinai Health System
Classification: Pathogenic for Malignant tumor of breast. Review status: no assertion criteria provided. Collection method: clinical testing. Allele origin: unknown. Affected: yes. Study: The Canadian Open Genetics Repository (COGR). Not counted in ClinVar's aggregate classification.
Comment: The ATM p.Leu762ValfsX2 variant was identified in 2 of 4040 proband chromosomes (frequency: 0.0005) from individuals or families with breast cancer and severe combined immune deficiency and was not identified in 3994 control chromosomes from healthy individuals (Yu 2016, Thompson 2016). The variant was also identified in dbSNP (ID: rs587781658) as â€šÃ„ÃºWith Pathogenic alleleâ€šÃ„Ã¹. In addition, the variant was identified in the ClinVar database as pathogenic by Ambry Genetics, Invitae, GeneDx, Genetics Services Laboratory, University of Chicago and as likely pathogenic by Counsyl; and in the Clinvitae database as pathogenic by Invitae. The variant was further reported 4X in the LOVD 3.0 database. The variant was not identified in the following databases: COGR, Cosmic, MutDB, ATM-LOVD, the 1000 Genomes Project, the NHLBI GO Exome Sequencing Project, and the Exome Aggregation Consortium (August 8th 2016), or the Genome Aggregation Database (Feb 27, 2017). The c.2284_2285del variant is predicted to cause a frameshift, which alters the protein's amino acid sequence beginning at codon 762 and leads to a premature stop codon at position 763. This alteration is then predicted to result in a truncated or absent protein and loss of function. In summary, based on the above information this variant meets our laboratoryâ€šÃ„Ã´s criteria to be classified as pathogenic.

Literature cited by the submitters: PubMed 23807571 (cited by Labcorp Genetics (formerly Invitae), Labcorp); PubMed 25614872 (cited by Labcorp Genetics (formerly Invitae), Labcorp); PubMed 8789452 (cited by 4 submitters); PubMed 8845835 (cited by 7 submitters); PubMed 9463314 (cited by 7 submitters); PubMed 21792198 (cited by 4 submitters); PubMed 27484032 (cited by 3 submitters); PubMed 30549301 (cited by Natera, Inc.); PubMed 24789685 (cited by Ambry Genetics); PubMed 32984025 (cited by Ambry Genetics and Color Diagnostics, LLC DBA Color Health); PubMed 33471991 (cited by Ambry Genetics and Color Diagnostics, LLC DBA Color Health); PubMed 28486781 (cited by Color Diagnostics, LLC DBA Color Health); PubMed 28657667 (cited by Color Diagnostics, LLC DBA Color Health); PubMed 28779002 (cited by Color Diagnostics, LLC DBA Color Health); PubMed 29566657 (cited by Color Diagnostics, LLC DBA Color Health); PubMed 37802069 (cited by Color Diagnostics, LLC DBA Color Health); PubMed 9872980 (cited by Women's Health and Genetics/Laboratory Corporation of America, LabCorp); PubMed 26896183 (cited by Women's Health and Genetics/Laboratory Corporation of America, LabCorp); PubMed 20852892 (cited by Counsyl).